The following is an entry in ClinVar:

NM_000059.4(BRCA2):c.9749dup (p.Ser3252fs)

Gene: BRCA2 (BRCA2 DNA repair associated; plus strand). Cytogenetic location: 13q13.1.
Variant type: Duplication.
Coding change: c.9749dup on transcript NM_000059.4 (MANE Select); coding-DNA position 9749, one base duplicated (C; older notation c.9749dupC).
Protein change: p.Ser3252fs; shifts the reading frame from serine 3252.
Molecular consequence: frameshift variant.
Genome position (GRCh38, 1-based): chr13:32,398,262, C duplicated. VCF-style (leftmost placement, unchanged base first): chr13-32398261-T-TC. GRCh37 (hg19) VCF-style: chr13-32972398-T-TC.
Other names: c.9653dup, p.Ser3220Valfs (NM_001406719.1); c.9698dup, p.Ser3235Valfs (NM_001406720.1); c.4817dup, p.Ser1608Valfs (NM_001406721.1); c.3332dup, p.Ser1113Valfs (NM_001406722.1); c.9749dupC (NM_000059.3); short protein forms S3252fs.
Identifiers: ClinVar variation 1768063 (VCV001768063.2), dbSNP rs2548564773, ClinGen allele CA2580087448.

ClinVar aggregate classification (germline): Pathogenic (1 of 4 stars; one submission).

Conditions:
Hereditary cancer-predisposing syndrome. Also called: Hereditary Cancer Syndrome; Hereditary neoplastic syndrome; Neoplastic Syndromes, Hereditary; Tumor predisposition. Identifiers: Orphanet 140162, MedGen C0027672, MeSH D009386, MONDO:0015356.

Submission:

Ambry Genetics
Classification: Pathogenic for Hereditary cancer-predisposing syndrome. Last evaluated: 2017-10-17. Review status: criteria provided, single submitter. Criteria: Ambry Variant Classification Scheme 2023. Collection method: clinical testing. Allele origin: germline.
Comment: The c.9749dupC pathogenic mutation, located in coding exon 26 of the BRCA2 gene, results from a duplication of C at nucleotide position 9749, causing a translational frameshift with a predicted alternate stop codon (p.S3252Vfs*3). This alteration is expected to result in loss of function by premature protein truncation. As such, this alteration is interpreted as a disease-causing mutation.